The following is an entry in ClinVar:

ClinVar aggregate classification (germline): Likely benign (0 of 4 stars; one submission).

Conditions:
FSIP2-related disorder. Also called: FSIP2-related condition.

Allele frequency attached by ClinVar (database versions not stated): ExAC 0.00020; gnomAD exomes 0.00021; gnomAD 0.00046; TOPMed 0.00048; 1000 Genomes Project 0.00339; 1000 Genomes Project 30x 0.00359.
gnomAD v4.1: 368 of 1,531,620 alleles (0.024%); highest among the groups gnomAD compares: East Asian, 0.84%; 2 homozygotes.

Submission:

PreventionGenetics, part of Exact Sciences
Classification: Likely benign for FSIP2-related condition. Last evaluated: 2024-08-11. Review status: no assertion criteria provided. Collection method: clinical testing. Allele origin: germline.
Comment: This variant is classified as likely benign based on ACMG/AMP sequence variant interpretation guidelines (Richards et al. 2015 PMID: 25741868, with internal and published modifications).

NM_173651.4(FSIP2):c.8909C>T (p.Pro2970Leu)

Genes: FSIP2 (fibrous sheath interacting protein 2; plus strand), FSIP2-AS1 (FSIP2 antisense RNA 1; minus strand). Cytogenetic location: 2q32.1.
Variant type: single nucleotide variant.
Coding change: c.8909C>T on transcript NM_173651.4 (MANE Select); coding-DNA position 8909, C replaced by T.
Protein change: p.Pro2970Leu; replaces proline 2970 with leucine.
Molecular consequence: missense variant.
Genome position (GRCh38, 1-based): chr2:185,796,045, C>T. VCF-style: chr2-185796045-C-T. GRCh37 (hg19) VCF-style: chr2-186660772-C-T.
Other names: short protein forms P2970L.
Identifiers: ClinVar variation 3050999 (VCV003050999.2), dbSNP rs188160736, ClinGen allele CA2016840.
Genomic context (GRCh38, chr2:185,796,045, plus strand): 5'-AACACATTACTGCTAAAAGTAAATATGGTTTTCCAAACAAGCATAGCCTCAGCAGTTTAC[C>T]AATCTATAACACAAAGACAAAAGACCAAATTTCTGTGGGCTCCAGCAACCAAATTGTTCA-3'
Protein context (NP_775922.3, residues 2960-2980): FPNKHSLSSL[Pro2970Leu]IYNTKTKDQI